The following is an entry in ClinVar:

ClinVar aggregate classification (germline): Uncertain significance. Review status: criteria provided, multiple submitters, no conflicts (2 of 4 stars). 8 submissions from 7 submitters: Uncertain significance (7). 1 of the submissions does not count toward it. Last evaluated 2023-11-04.

Conditions:
Inborn genetic diseases. Identifiers: MedGen C0950123, MeSH D030342.
Retinitis pigmentosa 39 (RP39). Identifiers: Orphanet 791, MedGen C3151138, MONDO:0013436, OMIM 613809.
Usher syndrome type 2A. Also called: RETINAL DISEASE IN USHER SYNDROME TYPE IIA, MODIFIER OF; USHER SYNDROME, TYPE IIA. Identifiers: Orphanet 231178, Orphanet 886, MedGen C1848634, MONDO:0010169, OMIM 276901.
Usher syndrome type 2. Also called: Usher Syndrome Type II. Identifiers: Orphanet 231178, MedGen C0339534, MONDO:0016484.

Allele frequency attached by ClinVar (database versions not stated): gnomAD 0.00001; ExAC 0.00001; gnomAD exomes 0.00004 and 0.00002; TOPMed 0.00001.
gnomAD v4.1: 54 of 1,614,002 alleles (0.0033%); highest among the groups gnomAD compares: Non-Finnish European, 0.0042%; no homozygotes.

Submissions (8):

Genome-Nilou Lab
Classification: Uncertain significance for Retinitis pigmentosa 39. Last evaluated: 2023-11-04. Review status: criteria provided, single submitter. Criteria: ACMG Guidelines, 2015. Collection method: clinical testing. Allele origin: germline. Affected: no.

Genome-Nilou Lab
Classification: Uncertain significance for Usher syndrome type 2A. Last evaluated: 2023-11-04. Review status: criteria provided, single submitter. Criteria: ACMG Guidelines, 2015. Collection method: clinical testing. Allele origin: germline. Affected: no.

GeneDx
Classification: Uncertain significance. Last evaluated: 2022-12-10. Review status: criteria provided, single submitter. Criteria: GeneDx Variant Classification Process June 2021. Collection method: clinical testing. Allele origin: germline. Affected: yes.
Comment: Not observed at significant frequency in large population cohorts (gnomAD); In silico analysis supports that this missense variant does not alter protein structure/function; Has not been previously published as pathogenic or benign to our knowledge

Blueprint Genetics
Classification: Uncertain significance. Last evaluated: 2022-10-10. Review status: criteria provided, single submitter. Criteria: ACMG Guidelines, 2015. Collection method: clinical testing. Allele origin: germline.

Molecular Genetics, Royal Melbourne Hospital
Classification: Uncertain significance for Usher syndrome type 2. Last evaluated: 2022-03-03. Review status: criteria provided, single submitter. Criteria: ACMG Guidelines, 2015. Collection method: clinical testing. Allele origin: germline.
Comment: This sequence change in USH2A is predicted to replace valine with isoleucine at codon 3612, p.(Val3612Ile). The valine residue is weakly conserved (100 vertebrates, UCSC), and is located in the fibronectin type-III 21 domain. There is a small physicochemical difference between valine and isoleucine. The highest population minor allele frequency in gnomAD v2.1 is 0.004% (1/24,964 alleles) in the African/African American population, which is conistent with recessive disease. To our knowledge, this variant has not been reported in the literature in any individuals with USH2A-related disease. The variant has been reported as a variant of uncertain significance (ClinVar ID: 941952). Multiple lines of computational evidence predict a benign effect for the missense substitution (6/6 algorithms). Based on the classification scheme RMH Modified ACMG Guidelines v1.5.1, this variant is classified as a VARIANT OF UNCERTAIN SIGNIFICANCE. Following criteria are met: PM2_Supporting, BP4.

Labcorp Genetics (formerly Invitae), Labcorp
Classification: Uncertain significance. Last evaluated: 2021-09-01. Review status: criteria provided, single submitter. Criteria: Invitae Variant Classification Sherloc (09022015). Collection method: clinical testing. Allele origin: germline.
Comment: This sequence change replaces valine with isoleucine at codon 3612 of the USH2A protein (p.Val3612Ile). The valine residue is highly conserved and there is a small physicochemical difference between valine and isoleucine. This variant is present in population databases (rs763125604, ExAC 0.001%). This variant has not been reported in the literature in individuals affected with USH2A-related conditions. Algorithms developed to predict the effect of missense changes on protein structure and function output the following: SIFT: "Tolerated"; PolyPhen-2: "Benign"; Align-GVGD: "Class C0". The isoleucine amino acid residue is found in multiple mammalian species, which suggests that this missense change does not adversely affect protein function. In summary, the available evidence is currently insufficient to determine the role of this variant in disease. Therefore, it has been classified as a Variant of Uncertain Significance.

Ambry Genetics
Classification: Uncertain significance for Inborn genetic diseases. Last evaluated: 2021-08-13. Review status: criteria provided, single submitter. Criteria: Ambry Variant Classification Scheme 2023. Collection method: clinical testing. Allele origin: germline.

Natera, Inc.
Classification: Uncertain significance for Usher syndrome type 2A. Last evaluated: 2020-07-09. Review status: no assertion criteria provided. Collection method: clinical testing. Allele origin: germline. Not counted in ClinVar's aggregate classification.

NM_206933.4(USH2A):c.10834G>A (p.Val3612Ile)

Gene: USH2A (usherin; minus strand). Cytogenetic location: 1q41.
Variant type: single nucleotide variant.
Coding change: c.10834G>A on transcript NM_206933.4 (MANE Select); coding-DNA position 10834, G replaced by A.
Protein change: p.Val3612Ile; replaces valine 3612 with isoleucine.
Molecular consequence: missense variant.
Genome position (GRCh38, 1-based): chr1:215,779,948, C>T on the plus strand (G>A on the coding strand, the complement: USH2A is on the minus strand). VCF-style: chr1-215779948-C-T. GRCh37 (hg19) VCF-style: chr1-215953290-C-T.
Other names: short protein forms V3612I.
Identifiers: ClinVar variation 941952 (VCV000941952.8), dbSNP rs763125604, ClinGen allele CA1393910.